The following is an entry in ClinVar:

NM_007194.4(CHEK2):c.808G>A (p.Val270Ile)

Gene: CHEK2 (checkpoint kinase 2; minus strand). Cytogenetic location: 22q12.1.
Variant type: single nucleotide variant.
Coding change: c.808G>A on transcript NM_007194.4 (MANE Select); coding-DNA position 808, G replaced by A.
Protein change: p.Val270Ile; replaces valine 270 with isoleucine.
Molecular consequence: missense variant.
Genome position (GRCh38, 1-based): chr22:28,710,044, C>T on the plus strand (G>A on the coding strand, the complement: CHEK2 is on the minus strand). VCF-style: chr22-28710044-C-T. GRCh37 (hg19) VCF-style: chr22-29106032-C-T.
Other names: c.937G>A, p.Val313Ile (NM_001005735.3); c.145G>A, p.Val49Ile (NM_001257387.3); c.607G>A, p.Val203Ile (NM_001349956.3); c.808G>A, p.Val270Ile (NM_145862.3); short protein forms V49I, V313I, V203I, V270I.
Identifiers: ClinVar variation 839366 (VCV000839366.8), dbSNP rs2053335680, ClinGen allele CA411102464.

ClinVar aggregate classification (germline): Uncertain significance (1 of 4 stars; one submission).

Conditions:
Familial cancer of breast. Also called: Hereditary breast cancer; hereditary breast carcinoma; BREAST CANCER, FAMILIAL. Identifiers: Orphanet 227535, MedGen C0346153, MONDO:0016419, OMIM 114480. Disease mechanism: loss of function.

Allele frequency attached by ClinVar (database versions not stated): gnomAD exomes below 0.00001.
gnomAD v4.1: 1 of 1,558,194 alleles (0.000064%); highest among the groups gnomAD compares: Non-Finnish European, 0.000088%; no homozygotes.

Submission:

Labcorp Genetics (formerly Invitae), Labcorp
Classification: Uncertain significance for Familial cancer of breast. Last evaluated: 2024-10-10. Review status: criteria provided, single submitter. Criteria: Invitae Variant Classification Sherloc (09022015). Collection method: clinical testing. Allele origin: germline.
Comment: This sequence change replaces valine, which is neutral and non-polar, with isoleucine, which is neutral and non-polar, at codon 270 of the CHEK2 protein (p.Val270Ile). This variant is not present in population databases (gnomAD no frequency). This variant has not been reported in the literature in individuals affected with CHEK2-related conditions. ClinVar contains an entry for this variant (Variation ID: 839366). An algorithm developed to predict the effect of missense changes on protein structure and function (PolyPhen-2) suggests that this variant is likely to be tolerated. In summary, the available evidence is currently insufficient to determine the role of this variant in disease. Therefore, it has been classified as a Variant of Uncertain Significance.